The following is an entry in ClinVar:

NM_000138.5(FBN1):c.3973dup (p.Glu1325fs)

Gene: FBN1 (fibrillin 1; minus strand). Cytogenetic location: 15q21.1.
Variant type: Duplication.
Coding change: c.3973dup on transcript NM_000138.5 (MANE Select); coding-DNA position 3973, one base duplicated (G; older notation c.3973dupG).
Protein change: p.Glu1325fs; shifts the reading frame from glutamic acid 1325.
Molecular consequence: frameshift variant.
Genome position (GRCh38, 1-based): chr15:48,474,642, C duplicated on the plus strand (G on the coding strand, the reverse complement: FBN1 is on the minus strand). VCF-style (leftmost placement, unchanged base first): chr15-48474641-T-TC. GRCh37 (hg19) VCF-style: chr15-48766838-T-TC.
Other names: c.3973dupG (NM_000138.4); short protein forms E1325fs.
Identifiers: ClinVar variation 406358 (VCV000406358.7), dbSNP rs1555397743, ClinGen allele CA16614813.
Genomic context (GRCh38, chr15:48,474,641, plus strand): 5'-CTTCCTGCTGTATTGGTACATACAGCATGTTTGCCACAGTTGTGTGCTCCAATTTCACAT[T>TC]CATTGATGTCTGGAAAAATGAGCAGTGATTTAGAAAAAGGCTCAGCACAAATGTCTTTTG-3'

ClinVar aggregate classification (germline): Pathogenic. Review status: criteria provided, single submitter (1 of 4 stars). 2 submissions from 1 submitter: Pathogenic (2). Last evaluated 2016-07-14.

Conditions:
Marfan syndrome (MFS). Also called: Marfan syndrome, classic; Marfan syndrome type 1; Marfan's syndrome; MARFAN SYNDROME, TYPE I; FBN1-Related Marfan Syndrome. Identifiers: Orphanet 284963, Orphanet 558, MedGen C0024796, MONDO:0007947, OMIM 154700.
Familial thoracic aortic aneurysm and aortic dissection (TAAD). Also called: Thoracic aortic aneurysms and dissections. Identifiers: Orphanet 91387, MedGen C4707243, MONDO:0019625.

Submissions (2):

Labcorp Genetics (formerly Invitae), Labcorp
Classification: Pathogenic for Marfan syndrome. Last evaluated: 2016-07-14. Review status: criteria provided, single submitter. Criteria: Invitae Variant Classification Sherloc (09022015). Collection method: clinical testing. Allele origin: germline.
Comment: This sequence change inserts 1 nucleotide in exon 33 of the FBN1 mRNA (c.3973dupG), causing a frameshift at codon 1325. This creates a premature translational stop signal (p.Glu1325Glyfs*3) and is expected to result in an absent or disrupted protein product. While this particular variant has not been reported in the literature, loss-of-function variants in FBN1 are known to be pathogenic (PMID: 17657824, 19293843). For these reasons, this variant has been classified as Pathogenic.

Labcorp Genetics (formerly Invitae), Labcorp
Classification: Pathogenic for Marfan syndrome; Familial thoracic aortic aneurysm and aortic dissection. Last evaluated: 2016-07-14. Review status: criteria provided, single submitter. Criteria: Invitae Variant Classification Sherloc (09022015). Collection method: clinical testing. Allele origin: germline.
Comment: For these reasons, this variant has been classified as Pathogenic. While this particular variant has not been reported in the literature, loss-of-function variants in FBN1 are known to be pathogenic (PMID: 17657824, 19293843). This sequence change inserts 1 nucleotide in exon 33 of the FBN1 mRNA (c.3973dupG), causing a frameshift at codon 1325. This creates a premature translational stop signal (p.Glu1325Glyfs*3) and is expected to result in an absent or disrupted protein product.

Literature cited by the submitters: PubMed 17657824; PubMed 19293843.